The following is an entry in ClinVar:

NM_002381.5(MATN3):c.541C>G (p.Arg181Gly)

Gene: MATN3 (matrilin 3; minus strand). Cytogenetic location: 2p24.1.
Variant type: single nucleotide variant.
Coding change: c.541C>G on transcript NM_002381.5 (MANE Select); coding-DNA position 541, C replaced by G.
Protein change: p.Arg181Gly; replaces arginine 181 with glycine.
Molecular consequence: missense variant.
Genome position (GRCh38, 1-based): chr2:20,005,993, G>C on the plus strand (C>G on the coding strand, the complement: MATN3 is on the minus strand). VCF-style: chr2-20005993-G-C. GRCh37 (hg19) VCF-style: chr2-20205754-G-C.
Other names: short protein forms R181G.
Identifiers: ClinVar variation 1705083 (VCV001705083.7), dbSNP rs201329777, ClinGen allele CA1543953.

ClinVar aggregate classification (germline): Uncertain significance. Review status: criteria provided, multiple submitters, no conflicts (2 of 4 stars). 3 submissions from 3 submitters: Uncertain significance (3). Last evaluated 2025-07-31.

Conditions:
Inborn genetic diseases. Identifiers: MedGen C0950123, MeSH D030342.

gnomAD v4.1: 15 of 1,613,812 alleles (0.00093%); highest among the groups gnomAD compares: East Asian, 0.029%; no homozygotes.

Submissions (3):

Ambry Genetics
Classification: Uncertain significance for Inborn genetic diseases. Last evaluated: 2025-07-31. Review status: criteria provided, single submitter. Criteria: Ambry Variant Classification Scheme 2023. Collection method: clinical testing. Allele origin: germline.

Labcorp Genetics (formerly Invitae), Labcorp
Classification: Uncertain significance. Last evaluated: 2025-03-19. Review status: criteria provided, single submitter. Criteria: Invitae Variant Classification Sherloc (09022015). Collection method: clinical testing. Allele origin: germline.
Comment: This sequence change replaces arginine, which is basic and polar, with glycine, which is neutral and non-polar, at codon 181 of the MATN3 protein (p.Arg181Gly). This variant is present in population databases (rs201329777, gnomAD 0.006%). This variant has not been reported in the literature in individuals affected with MATN3-related conditions. ClinVar contains an entry for this variant (Variation ID: 1705083). Invitae Evidence Modeling of protein sequence and biophysical properties (such as structural, functional, and spatial information, amino acid conservation, physicochemical variation, residue mobility, and thermodynamic stability) indicates that this missense variant is expected to disrupt MATN3 protein function with a positive predictive value of 80%. In summary, the available evidence is currently insufficient to determine the role of this variant in disease. Therefore, it has been classified as a Variant of Uncertain Significance.

Women's Health and Genetics/Laboratory Corporation of America, LabCorp
Classification: Uncertain significance. Last evaluated: 2022-08-12. Review status: criteria provided, single submitter. Criteria: LabCorp Variant Classification Summary - May 2015. Collection method: clinical testing. Allele origin: germline.
Comment: Variant summary: MATN3 c.541C>G (p.Arg181Gly) results in a non-conservative amino acid change located in the von Willebrand factor, type A domain (IPR002035) of the encoded protein sequence. Five of five in-silico tools predict a damaging effect of the variant on protein function. The variant allele was found at a frequency of 4e-06 in 249118 control chromosomes (gnomAD). The available data on variant occurrences in the general population are insufficient to allow any conclusion about variant significance. To our knowledge, no occurrence of c.541C>G in individuals affected with Multiple Epiphyseal Dysplasia Type 5 and no experimental evidence demonstrating its impact on protein function have been reported. No clinical diagnostic laboratories have submitted clinical-significance assessments for this variant to ClinVar after 2014. Based on the evidence outlined above, the variant was classified as uncertain significance.